The following is an entry in ClinVar:

NM_001378454.1(ALMS1):c.2147A>G (p.His716Arg)

Gene: ALMS1 (ALMS1 centrosome and basal body associated protein; plus strand). Cytogenetic location: 2p13.1.
Variant type: single nucleotide variant.
Coding change: c.2147A>G on transcript NM_001378454.1 (MANE Select); coding-DNA position 2147, A replaced by G.
Protein change: p.His716Arg; replaces histidine 716 with arginine.
Molecular consequence: missense variant.
Genome position (GRCh38, 1-based): chr2:73,448,674, A>G. VCF-style: chr2-73448674-A-G. GRCh37 (hg19) VCF-style: chr2-73675801-A-G.
Other names: c.2150A>G, p.His717Arg (NM_015120.4); short protein forms H716R, H717R.
Identifiers: ClinVar variation 2078145 (VCV002078145.5), dbSNP rs1234231409, ClinGen allele CA347266922.

ClinVar aggregate classification (germline): Uncertain significance. Review status: criteria provided, multiple submitters, no conflicts (2 of 4 stars). 2 submissions from 2 submitters: Uncertain significance (2). Last evaluated 2025-05-30.

Conditions:
ALMS1-related disorder. Also called: ALMS1-related condition.
Alstrom syndrome (ALMS). Identifiers: Orphanet 64, MedGen C0268425, MONDO:0008763, OMIM 203800.

Allele frequency attached by ClinVar (database versions not stated): gnomAD exomes below 0.00001.
gnomAD v4.1: 1 of 1,613,410 alleles (0.000062%); no homozygotes.

Submissions (2):

PreventionGenetics, part of Exact Sciences
Classification: Uncertain significance for ALMS1-related condition. Last evaluated: 2025-05-30. Review status: criteria provided, single submitter. Criteria: ACMG Guidelines, 2015. Collection method: clinical testing. Allele origin: germline.
Comment: The ALMS1 c.2150A>G variant is predicted to result in the amino acid substitution p.His717Arg. To our knowledge, this variant has not been reported in the literature. This variant is reported in 0.0033% of alleles in individuals of South Asian descent in gnomAD. At this time, the clinical significance of this variant is uncertain due to the absence of conclusive functional and genetic evidence.

Labcorp Genetics (formerly Invitae), Labcorp
Classification: Uncertain significance for Alstrom syndrome. Last evaluated: 2022-05-25. Review status: criteria provided, single submitter. Criteria: Invitae Variant Classification Sherloc (09022015). Collection method: clinical testing. Allele origin: germline.
Comment: In summary, the available evidence is currently insufficient to determine the role of this variant in disease. Therefore, it has been classified as a Variant of Uncertain Significance. Experimental studies and prediction algorithms are not available or were not evaluated, and the functional significance of this variant is currently unknown. This variant has not been reported in the literature in individuals affected with ALMS1-related conditions. This variant is present in population databases (no rsID available, gnomAD 0.01%). This sequence change replaces histidine, which is basic and polar, with arginine, which is basic and polar, at codon 717 of the ALMS1 protein (p.His717Arg).